The following is an entry in ClinVar:

NM_001363711.2(DUOX2):c.1136C>T (p.Pro379Leu)

Gene: DUOX2 (dual oxidase 2; minus strand). Cytogenetic location: 15q21.1.
Variant type: single nucleotide variant.
Coding change: c.1136C>T on transcript NM_001363711.2 (MANE Select); coding-DNA position 1136, C replaced by T.
Protein change: p.Pro379Leu; replaces proline 379 with leucine.
Molecular consequence: missense variant.
Genome position (GRCh38, 1-based): chr15:45,109,622, G>A on the plus strand (C>T on the coding strand, the complement: DUOX2 is on the minus strand). VCF-style: chr15-45109622-G-A. GRCh37 (hg19) VCF-style: chr15-45401820-G-A.
Other names: c.1136C>T, p.Pro379Leu (NM_014080.5); short protein forms P379L.
Identifiers: ClinVar variation 2768509 (VCV002768509.3), dbSNP rs2504777696, ClinGen allele CA392277282.

ClinVar aggregate classification (germline): Uncertain significance (1 of 4 stars; one submission).

Submission:

Labcorp Genetics (formerly Invitae), Labcorp
Classification: Uncertain significance. Last evaluated: 2023-10-14. Review status: criteria provided, single submitter. Criteria: Invitae Variant Classification Sherloc (09022015). Collection method: clinical testing. Allele origin: germline.
Comment: This sequence change replaces proline, which is neutral and non-polar, with leucine, which is neutral and non-polar, at codon 379 of the DUOX2 protein (p.Pro379Leu). This variant is not present in population databases (gnomAD no frequency). This variant has not been reported in the literature in individuals affected with DUOX2-related conditions. Advanced modeling of protein sequence and biophysical properties (such as structural, functional, and spatial information, amino acid conservation, physicochemical variation, residue mobility, and thermodynamic stability) performed at Invitae indicates that this missense variant is not expected to disrupt DUOX2 protein function. In summary, the available evidence is currently insufficient to determine the role of this variant in disease. Therefore, it has been classified as a Variant of Uncertain Significance.